The following is an entry in ClinVar:

NM_015021.3(ZNF292):c.5584C>A (p.Leu1862Met)

Gene: ZNF292 (zinc finger protein 292; plus strand). Cytogenetic location: 6q14.3.
Variant type: single nucleotide variant.
Coding change: c.5584C>A on transcript NM_015021.3 (MANE Select); coding-DNA position 5584, C replaced by A.
Protein change: p.Leu1862Met; replaces leucine 1862 with methionine.
Molecular consequence: missense variant.
Genome position (GRCh38, 1-based): chr6:87,259,213, C>A. VCF-style: chr6-87259213-C-A. GRCh37 (hg19) VCF-style: chr6-87968931-C-A.
Other names: c.5164C>A, p.Leu1722Met (NM_001351444.2); short protein forms L1722M, L1862M.
Identifiers: ClinVar variation 1805216 (VCV001805216.1), dbSNP rs2482345206, ClinGen allele CA364932749.

ClinVar aggregate classification (germline): Uncertain significance (1 of 4 stars; one submission).

Conditions:
Intellectual developmental disorder, autosomal dominant 64. Also called: MENTAL RETARDATION, AUTOSOMAL DOMINANT 64. Identifiers: MedGen C5543067, MONDO:0030934, OMIM 619188.

Allele frequency attached by ClinVar (database versions not stated): gnomAD exomes 0.00001.
gnomAD v4.1: 3 of 1,613,708 alleles (0.00019%); highest among the groups gnomAD compares: Admixed American, 0.0017%; no homozygotes.

Submission:

Victorian Clinical Genetics Services, Murdoch Childrens Research Institute
Classification: Uncertain significance for Intellectual developmental disorder, autosomal dominant 64. Last evaluated: 2022-02-02. Review status: criteria provided, single submitter. Criteria: ACMG Guidelines, 2015. Collection method: clinical testing. Allele origin: germline. Inheritance: Autosomal dominant inheritance. Affected: yes.
Comment: Based on the classification scheme VCGS_Germline_v1.3.4, this variant is classified as VUS-3B. Following criteria are met: 0105 - The mechanism of disease for this gene is not clearly established. (I) 0107 - This gene is associated with autosomal dominant disease. (I) 0200 - Variant is predicted to result in a missense amino acid change from leucine to methionine. (I) 0251 - This variant is heterozygous. (I) 0301 - Variant is absent from gnomAD (both v2 and v3). (SP) 0309 - An alternative amino acid change at the same position has been observed in gnomAD (v3) (2 heterozygotes, 0 homozygotes). (I) 0502 - Missense variant with conflicting in silico predictions and uninformative conservation. (I) 0604 - Variant is not located in an established domain, motif, hotspot or informative constraint region. (I) 0705 - No comparable missense variants have previous evidence for pathogenicity. (I) 0807 - This variant has no previous evidence of pathogenicity. (I) 0905 - No published segregation evidence has been identified for this variant. (I) 1007 - No published functional evidence has been identified for this variant. (I) 1208 - Inheritance information for this variant is not currently available in this individual. (I) Legend: (SP) - Supporting pathogenic, (I) - Information, (SB) - Supporting benign